The following is an entry in ClinVar:

ClinVar aggregate classification (germline): Benign. Review status: criteria provided, multiple submitters, no conflicts (2 of 4 stars). 2 submissions from 2 submitters: Benign (2). Last evaluated 2018-06-14.

Allele frequency attached by ClinVar (database versions not stated): gnomAD exomes 0.12318; 1000 Genomes Project 0.22504; gnomAD 0.22679 and 0.23733; 1000 Genomes Project 30x 0.23298; TOPMed 0.24568.
gnomAD v4.1: 166,921 of 1,223,236 alleles (14%); highest among the groups gnomAD compares: African/African-American, 54%; 17,973 homozygotes.

Submissions (2):

GeneDx
Classification: Benign. Last evaluated: 2018-06-14. Review status: criteria provided, single submitter. Criteria: GeneDx Variant Classification (06012015). Collection method: clinical testing. Allele origin: germline. Affected: yes.
Comment: This variant is considered likely benign or benign based on one or more of the following criteria: it is a conservative change, it occurs at a poorly conserved position in the protein, it is predicted to be benign by multiple in silico algorithms, and/or has population frequency not consistent with disease.

Breakthrough Genomics
Classification: Benign. Review status: criteria provided, single submitter. Criteria: ACMG Guidelines, 2015. Collection method: not provided. Allele origin: germline. Inheritance: Autosomal recessive inheritance. Affected: yes.

NM_002693.3(POLG):c.1712+110T>C

Gene: POLG (DNA polymerase gamma, catalytic subunit; minus strand). Cytogenetic location: 15q26.1.
Variant type: single nucleotide variant.
Coding change: c.1712+110T>C on transcript NM_002693.3 (MANE Select); 110 bases into the intron after coding-DNA position 1712, T replaced by C.
Molecular consequence: intron variant.
Genome position (GRCh38, 1-based): chr15:89,326,502, A>G on the plus strand (T>C on the coding strand, the complement: POLG is on the minus strand). VCF-style: chr15-89326502-A-G. GRCh37 (hg19) VCF-style: chr15-89869733-A-G.
Other names: c.1712+110T>C (NM_001126131.2).
Identifiers: ClinVar variation 675062 (VCV000675062.2), dbSNP rs2351000, ClinGen allele CA14110132.